The following is an entry in ClinVar:

NM_018249.6(CDK5RAP2):c.2818A>C (p.Ile940Leu)

Gene: CDK5RAP2 (CDK5 regulatory subunit associated protein 2; minus strand). Cytogenetic location: 9q33.2.
Variant type: single nucleotide variant.
Coding change: c.2818A>C on transcript NM_018249.6 (MANE Select); coding-DNA position 2818, A replaced by C.
Protein change: p.Ile940Leu; replaces isoleucine 940 with leucine.
Molecular consequence: missense variant. On other transcripts: non-coding transcript variant (5).
Genome position (GRCh38, 1-based): chr9:120,448,102, T>G on the plus strand (A>C on the coding strand, the complement: CDK5RAP2 is on the minus strand). VCF-style: chr9-120448102-T-G. GRCh37 (hg19) VCF-style: chr9-123210380-T-G.
Other names: c.2818A>C, p.Ile940Leu (NM_001011649.3); c.2128A>C, p.Ile710Leu (NM_001272039.2); c.2719A>C, p.Ile907Leu (NM_001410992.1); c.2722A>C, p.Ile908Leu (NM_001410993.1); c.2815A>C, p.Ile939Leu (NM_001410994.1); short protein forms I907L, I940L, I710L, I908L, I939L.
Identifiers: ClinVar variation 1912122 (VCV001912122.3), dbSNP rs1254338891, ClinGen allele CA374722930.

ClinVar aggregate classification (germline): Uncertain significance (1 of 4 stars; one submission).

Allele frequency attached by ClinVar (database versions not stated): gnomAD exomes below 0.00001.
gnomAD v4.1: 5 of 1,614,040 alleles (0.00031%); highest among the groups gnomAD compares: Admixed American, 0.0067%; no homozygotes.

Submission:

Labcorp Genetics (formerly Invitae), Labcorp
Classification: Uncertain significance. Last evaluated: 2022-05-13. Review status: criteria provided, single submitter. Criteria: Invitae Variant Classification Sherloc (09022015). Collection method: clinical testing. Allele origin: germline.
Comment: This sequence change replaces isoleucine, which is neutral and non-polar, with leucine, which is neutral and non-polar, at codon 940 of the CDK5RAP2 protein (p.Ile940Leu). This variant is present in population databases (no rsID available, gnomAD 0.01%). This variant has not been reported in the literature in individuals affected with CDK5RAP2-related conditions. Algorithms developed to predict the effect of missense changes on protein structure and function (SIFT, PolyPhen-2, Align-GVGD) all suggest that this variant is likely to be tolerated. In summary, the available evidence is currently insufficient to determine the role of this variant in disease. Therefore, it has been classified as a Variant of Uncertain Significance.